The following is an entry in ClinVar:

ClinVar aggregate classification (germline): Benign (1 of 4 stars; one submission).

Allele frequency attached by ClinVar (database versions not stated): TOPMed 0.39156; gnomAD 0.39537 and 0.39824; 1000 Genomes Project 30x 0.47502; 1000 Genomes Project 0.47903.
gnomAD v4.1: 60,256 of 151,952 alleles (40%); highest among the groups gnomAD compares: East Asian, 60%; 13,077 homozygotes.

Submission:

GeneDx
Classification: Benign. Last evaluated: 2018-06-19. Review status: criteria provided, single submitter. Criteria: GeneDx Variant Classification (06012015). Collection method: clinical testing. Allele origin: germline. Affected: yes.
Comment: This variant is considered likely benign or benign based on one or more of the following criteria: it is a conservative change, it occurs at a poorly conserved position in the protein, it is predicted to be benign by multiple in silico algorithms, and/or has population frequency not consistent with disease.

NM_015141.4(GPD1L):c.960-291G>A

Gene: GPD1L (glycerol-3-phosphate dehydrogenase 1 like; plus strand). Cytogenetic location: 3p22.3.
Variant type: single nucleotide variant.
Coding change: c.960-291G>A on transcript NM_015141.4 (MANE Select); 291 bases into the intron before coding-DNA position 960, G replaced by A.
Molecular consequence: intron variant.
Genome position (GRCh38, 1-based): chr3:32,165,523, G>A. VCF-style: chr3-32165523-G-A. GRCh37 (hg19) VCF-style: chr3-32207015-G-A.
Identifiers: ClinVar variation 683542 (VCV000683542.1), dbSNP rs60269853, ClinGen allele CA11402103.
Genomic context (GRCh38, chr3:32,165,523, plus strand): 5'-CTTTTAAAATAATGACAGAATATAGACTCCTCCAAGATTTGACCAAGAGTTGGAGCCACA[G>A]CTCCTATGTAAATGACAACAGTTTGCCCTGGTAGGATCACCGTGTGACTTGGTTGTGGAC-3'